The following is an entry in ClinVar:

NM_000426.4(LAMA2):c.7630A>G (p.Ile2544Val)

Gene: LAMA2 (laminin subunit alpha 2; plus strand). Cytogenetic location: 6q22.33.
Variant type: single nucleotide variant.
Coding change: c.7630A>G on transcript NM_000426.4 (MANE Select); coding-DNA position 7630, A replaced by G.
Protein change: p.Ile2544Val; replaces isoleucine 2544 with valine.
Molecular consequence: missense variant.
Genome position (GRCh38, 1-based): chr6:129,481,320, A>G. VCF-style: chr6-129481320-A-G. GRCh37 (hg19) VCF-style: chr6-129802465-A-G.
Other names: c.7618A>G, p.Ile2540Val (NM_001079823.2); short protein forms I2544V, I2540V.
Identifiers: ClinVar variation 560223 (VCV000560223.10), dbSNP rs147430700, ClinGen allele CA3994624.
Genomic context (GRCh38, chr6:129,481,320, plus strand): 5'-CAGAATGTTTACACAGTTAGCTTTCCTAAGCCTGGTTTTGTGGAGCTCTCCCCTGTGCCA[A>G]TTGATGTAGGAACAGAAATCAACCTGTCATTCAGCACCAAGAATGAGTCCGGCATCATTC-3'
Protein context (NP_000417.3, residues 2534-2554): PGFVELSPVP[Ile2544Val]DVGTEINLSF

ClinVar aggregate classification (germline): Conflicting classifications of pathogenicity. Review status: criteria provided, conflicting classifications (1 of 4 stars). 3 submissions from 3 submitters: Uncertain significance (2); Likely benign (1). Last evaluated 2024-08-07.

Conditions:
Inborn genetic diseases. Identifiers: MedGen C0950123, MeSH D030342.
LAMA2-related muscular dystrophy (LAMA2-RD). Also called: Laminin alpha 2-related dystrophy. Identifiers: MedGen C5679788, MONDO:0100228.
Merosin deficient congenital muscular dystrophy (MDC1A). Also called: Congenital Muscular Dystrophy Type 1A (MDC1A); Congenital merosin-deficient muscular dystrophy 1A. Identifiers: Orphanet 258, MedGen C1263858, MONDO:0011925, OMIM 607855.

Allele frequency attached by ClinVar (database versions not stated): TOPMed below 0.00001; ExAC 0.00001; gnomAD 0.00002; gnomAD exomes 0.00002 and 0.00003; ESP Exome Variant Server 0.00008.
gnomAD v4.1: 41 of 1,613,772 alleles (0.0025%); highest among the groups gnomAD compares: East Asian, 0.013%; no homozygotes.

Submissions (3):

Ambry Genetics
Classification: Uncertain significance for Inborn genetic diseases. Last evaluated: 2024-08-07. Review status: criteria provided, single submitter. Criteria: Ambry Variant Classification Scheme 2023. Collection method: clinical testing. Allele origin: germline.

Labcorp Genetics (formerly Invitae), Labcorp
Classification: Likely benign for LAMA2-related muscular dystrophy. Last evaluated: 2024-07-23. Review status: criteria provided, single submitter. Criteria: Invitae Variant Classification Sherloc (09022015). Collection method: clinical testing. Allele origin: germline.

Geisinger Autism and Developmental Medicine Institute, Geisinger Health System
Classification: Uncertain significance for Merosin deficient congenital muscular dystrophy. Last evaluated: 2017-06-30. Review status: criteria provided, single submitter. Criteria: ACMG Guidelines, 2015. Collection method: provider interpretation, clinical testing. Allele origin: paternal. Observed: 1 variant allele.
Comment: Compound heterozygous or homozygous LAMA2 variants are associated with a spectrum of muscular dystrophy phenotypes from severe, early-onset congenital muscular dystrophy to a milder later childhood onset limb-girdle muscular dystrophy. The c.7630A>G variant is present in population databases in multiple population groups with an overall frequency of 0.002528% (gnomAD). Computational models are inconsistent. Follow-up testing showed mildly elevated CK level of 212 (reference range 26-192).